The following is an entry in ClinVar:

ClinVar aggregate classification (germline): Uncertain significance. Review status: criteria provided, single submitter (1 of 4 stars). 2 submissions from 2 submitters: Uncertain significance (1). 1 of the submissions does not count toward it. Last evaluated 2026-03-03.

Conditions:
Inborn genetic diseases. Identifiers: MedGen C0950123, MeSH D030342.
Dyskeratosis congenita. Identifiers: Orphanet 1775, MedGen C0265965, MONDO:0015780.

gnomAD v4.1: 7 of 1,609,296 alleles (0.00043%); highest among the groups gnomAD compares: Non-Finnish European, 0.00059%; no homozygotes.

Submissions (2):

Ambry Genetics
Classification: Uncertain significance for Inborn genetic diseases. Last evaluated: 2026-03-03. Review status: criteria provided, single submitter. Criteria: Ambry Variant Classification Scheme 2023. Collection method: clinical testing. Allele origin: germline.
Comment: The p.N1023K variant (also known as c.3069C>A), located in coding exon 30 of the RTEL1 gene, results from a C to A substitution at nucleotide position 3069. The asparagine at codon 1023 is replaced by lysine, an amino acid with similar properties. This amino acid position is conserved. In addition, the in silico prediction for this alteration is inconclusive. Based on the available evidence, the clinical significance of this variant remains unclear.

Natera, Inc.
Classification: Uncertain significance for Dyskeratosis congenita. Last evaluated: 2025-01-23. Review status: no assertion criteria provided. Collection method: clinical testing. Allele origin: germline. Not counted in ClinVar's aggregate classification.

NM_001283009.2(RTEL1):c.3069C>A (p.Asn1023Lys)

Genes: RTEL1 (regulator of telomere elongation helicase 1; plus strand), RTEL1-TNFRSF6B (RTEL1-TNFRSF6B readthrough (NMD candidate); plus strand). Cytogenetic location: 20q13.33.
Variant type: single nucleotide variant.
Coding change: c.3069C>A on transcript NM_001283009.2 (MANE Select); coding-DNA position 3069, C replaced by A.
Protein change: p.Asn1023Lys; replaces asparagine 1023 with lysine.
Molecular consequence: missense variant. On other transcripts: non-coding transcript variant (1).
Genome position (GRCh38, 1-based): chr20:63,694,448, C>A. VCF-style: chr20-63694448-C-A. GRCh37 (hg19) VCF-style: chr20-62325801-C-A.
Other names: c.2400C>A, p.Asn800Lys (NM_001283010.1); c.3069C>A, p.Asn1023Lys (NM_016434.4); c.3141C>A, p.Asn1047Lys (NM_032957.5); short protein forms N1023K, N1047K, N800K.
Identifiers: ClinVar variation 4060970 (VCV004060970.2).
Genomic context (GRCh38, chr20:63,694,448, plus strand): 5'-TCCCAAGCTGACCGTGTCCACGGCTGCAGCCCAGCAGCTGGACCCCCAAGAGCACCTGAA[C>A]CAGGGCAGGCCCCACCTGTCGCCCAGGCCACCCCCAACAGGTAGCTGACTCCTGAACCGT-3'
Protein context (NP_001269938.1, residues 1013-1033): AQQLDPQEHL[Asn1023Lys]QGRPHLSPRP